The following is an entry in ClinVar:

NM_000057.4(BLM):c.1366dup (p.Ser456fs)

Gene: BLM (BLM RecQ like helicase; plus strand). Cytogenetic location: 15q26.1.
Variant type: Duplication.
Coding change: c.1366dup on transcript NM_000057.4 (MANE Select); coding-DNA position 1366, one base duplicated (T; older notation c.1366dupT).
Protein change: p.Ser456fs; shifts the reading frame from serine 456.
Molecular consequence: frameshift variant.
Genome position (GRCh38, 1-based): chr15:90,760,739, T duplicated; the last of 5 consecutive T bases (chr15:90,760,735-90,760,739); duplicating any one gives the same sequence. VCF-style (leftmost placement, unchanged base first): chr15-90760734-A-AT. GRCh37 (hg19) VCF-style: chr15-91303964-A-AT.
Other names: c.1366dup, p.Ser456fs (NM_001287246.2, NM_001287247.2); c.241dup, p.Ser81fs (NM_001287248.2); short protein forms S456fs, S81fs.
Identifiers: ClinVar variation 3663153 (VCV003663153.3).

ClinVar aggregate classification (germline): Pathogenic. Review status: criteria provided, multiple submitters, no conflicts (2 of 4 stars). 2 submissions from 2 submitters: Pathogenic (2). Last evaluated 2026-04-28.

Conditions:
Bloom syndrome (BLM). Also called: Bloom-Torre-Machacek syndrome. Identifiers: Orphanet 125, MedGen C0005859, MONDO:0008876, OMIM 210900.

Submissions (2):

Myriad Genetics, Inc.
Classification: Pathogenic for Bloom syndrome. Last evaluated: 2026-04-28. Review status: criteria provided, single submitter. Criteria: Myriad Autosomal Dominant, Autosomal Recessive and X-Linked Classification Criteria (2023). Collection method: clinical testing. Allele origin: unknown.
Comment: This variant is considered pathogenic. This variant creates a frameshift predicted to result in premature protein truncation.

Labcorp Genetics (formerly Invitae), Labcorp
Classification: Pathogenic for Bloom syndrome. Last evaluated: 2024-08-21. Review status: criteria provided, single submitter. Criteria: Invitae Variant Classification Sherloc (09022015). Collection method: clinical testing. Allele origin: germline.
Comment: This sequence change creates a premature translational stop signal (p.Ser456Phefs*33) in the BLM gene. It is expected to result in an absent or disrupted protein product. Loss-of-function variants in BLM are known to be pathogenic (PMID: 17407155). This variant is not present in population databases (gnomAD no frequency). This variant has not been reported in the literature in individuals affected with BLM-related conditions. For these reasons, this variant has been classified as Pathogenic.

Literature cited by the submitters: PubMed 17407155 (cited by Labcorp Genetics (formerly Invitae), Labcorp).